The following is an entry in ClinVar:

NM_018690.4(APOBR):c.996G>A (p.Ser332=)

Gene: APOBR (apolipoprotein B receptor; plus strand). Cytogenetic location: 16p12.1.
Variant type: single nucleotide variant.
Coding change: c.996G>A on transcript NM_018690.4 (MANE Select); coding-DNA position 996, G replaced by A.
Protein change: p.Ser332=; no amino-acid change (serine 332 retained).
Molecular consequence: synonymous variant.
Genome position (GRCh38, 1-based): chr16:28,496,037, G>A. VCF-style: chr16-28496037-G-A. GRCh37 (hg19) VCF-style: chr16-28507358-G-A.
Identifiers: ClinVar variation 4083584 (VCV004083584.8).

ClinVar aggregate classification (germline): Likely benign (1 of 4 stars; one submission).

Submission:

CeGaT Center for Human Genetics Tuebingen
Classification: Likely benign. Last evaluated: 2026-04-01. Review status: criteria provided, single submitter. Criteria: CeGaT Center For Human Genetics Tuebingen Variant Classification Criteria Version 2. Collection method: clinical testing. Allele origin: germline. Affected: yes. Observed: 2 variant alleles.
Comment: APOBR: BP4, BP7